The following is an entry in ClinVar:

ClinVar aggregate classification (germline): Uncertain significance (1 of 4 stars; one submission).

Submission:

Labcorp Genetics (formerly Invitae), Labcorp
Classification: Uncertain significance. Last evaluated: 2025-06-29. Review status: criteria provided, single submitter. Criteria: Invitae Variant Classification Sherloc (09022015). Collection method: clinical testing. Allele origin: germline.
Comment: This sequence change replaces glycine, which is neutral and non-polar, with glutamic acid, which is acidic and polar, at codon 1287 of the MYH9 protein (p.Gly1287Glu). This variant is not present in population databases (gnomAD no frequency). This variant has not been reported in the literature in individuals affected with MYH9-related conditions. ClinVar contains an entry for this variant (Variation ID: 3661416). Invitae Evidence Modeling of protein sequence and biophysical properties (such as structural, functional, and spatial information, amino acid conservation, physicochemical variation, residue mobility, and thermodynamic stability) indicates that this missense variant is not expected to disrupt MYH9 protein function with a negative predictive value of 95%. In summary, the available evidence is currently insufficient to determine the role of this variant in disease. Therefore, it has been classified as a Variant of Uncertain Significance.

NM_002473.6(MYH9):c.3860G>A (p.Gly1287Glu)

Gene: MYH9 (myosin heavy chain 9; minus strand). Cytogenetic location: 22q12.3.
Variant type: single nucleotide variant.
Coding change: c.3860G>A on transcript NM_002473.6 (MANE Select); coding-DNA position 3860, G replaced by A.
Protein change: p.Gly1287Glu; replaces glycine 1287 with glutamic acid.
Molecular consequence: missense variant.
Genome position (GRCh38, 1-based): chr22:36,293,841, C>T on the plus strand (G>A on the coding strand, the complement: MYH9 is on the minus strand). VCF-style: chr22-36293841-C-T. GRCh37 (hg19) VCF-style: chr22-36689887-C-T.
Other names: short protein forms G1287E.
Identifiers: ClinVar variation 3661416 (VCV003661416.2).